The following is an entry in ClinVar:

NM_006031.6(PCNT):c.6934G>A (p.Glu2312Lys)

Gene: PCNT (pericentrin; plus strand). Cytogenetic location: 21q22.3.
Variant type: single nucleotide variant.
Coding change: c.6934G>A on transcript NM_006031.6 (MANE Select); coding-DNA position 6934, G replaced by A.
Protein change: p.Glu2312Lys; replaces glutamic acid 2312 with lysine.
Molecular consequence: missense variant.
Genome position (GRCh38, 1-based): chr21:46,418,216, G>A. VCF-style: chr21-46418216-G-A. GRCh37 (hg19) VCF-style: chr21-47838130-G-A.
Other names: c.6580G>A, p.Glu2194Lys (NM_001315529.2); short protein forms E2194K, E2312K.
Identifiers: ClinVar variation 4981172 (VCV004981172.1).
Genomic context (GRCh38, chr21:46,418,216, plus strand): 5'-TGATGTAATTACTCATTATTTTATGACCATTTAAAAATCTCTTAACAGGAGAAAGATGTC[G>A]AAGATTTTATCACAACATCCTTTGATTCTCAAGAAACATTAAGTTCACCTCCTCCTGGAT-3'
Protein context (NP_006022.3, residues 2302-2322): VQRTAVEKDV[Glu2312Lys]DFITTSFDSQ

ClinVar aggregate classification (germline): Uncertain significance (1 of 4 stars; one submission).

Conditions:
PCNT-related disorder. Also called: PCNT-related condition.

gnomAD v4.1: 10 of 1,594,490 alleles (0.00063%); highest among the groups gnomAD compares: African/African-American, 0.0013%; no homozygotes.

Submission:

PreventionGenetics, part of Exact Sciences
Classification: Uncertain significance for PCNT-related condition. Last evaluated: 2026-01-12. Review status: criteria provided, single submitter. Criteria: ACMG Guidelines, 2015. Collection method: clinical testing. Allele origin: germline.
Comment: The PCNT c.6934G>A variant is predicted to result in the amino acid substitution p.Glu2312Lys. To our knowledge, this variant has not been reported in the literature. This variant is reported in 0.0062% of alleles in individuals of African descent in gnomAD. At this time, the clinical significance of this variant is uncertain due to the absence of conclusive functional and genetic evidence.